The following is an entry in ClinVar:

NM_001374353.1(GLI2):c.1182+1G>T

Gene: GLI2 (GLI family zinc finger 2; plus strand). Cytogenetic location: 2q14.2.
Variant type: single nucleotide variant.
Coding change: c.1182+1G>T on transcript NM_001374353.1 (MANE Select); the canonical splice donor site of the intron after coding-DNA position 1182, G replaced by T.
Molecular consequence: splice donor variant.
Genome position (GRCh38, 1-based): chr2:120,972,064, G>T. VCF-style: chr2-120972064-G-T. GRCh37 (hg19) VCF-style: chr2-121729640-G-T.
Other names: c.1182+1G>T (NM_001371271.1, NM_005270.5); c.807+1G>T (NM_001374354.1).
Identifiers: ClinVar variation 3383228 (VCV003383228.1).

ClinVar aggregate classification (germline): Uncertain significance (1 of 4 stars; one submission).

Conditions:
Postaxial polydactyly-anterior pituitary anomalies-facial dysmorphism syndrome. Also called: Culler-Jones syndrome. Identifiers: Orphanet 420584, MedGen C4014479, MONDO:0014369, OMIM 615849.

Submission:

MVZ Medizinische Genetik Mainz
Classification: Uncertain significance for Postaxial polydactyly-anterior pituitary anomalies-facial dysmorphism syndrome. Last evaluated: 2024-11-11. Review status: criteria provided, single submitter. Criteria: UK Practice Guidelines For Variant Classification V4 01 2020. Collection method: clinical testing. Allele origin: germline. Inheritance: Autosomal dominant inheritance. Affected: yes. Observed: 1 variant allele.
Comment: ACMG Criteria: PVS1_MOD,PM2_SUP